The following is an entry in ClinVar:

ClinVar aggregate classification (germline): Uncertain significance (1 of 4 stars; one submission).

Conditions:
FGA-related disorder. Also called: FGA-related condition; FGA-related disorders.

Submission:

PreventionGenetics, part of Exact Sciences
Classification: Uncertain significance for FGA-related condition. Last evaluated: 2025-06-05. Review status: criteria provided, single submitter. Criteria: ACMG Guidelines, 2015. Collection method: clinical testing. Allele origin: germline.
Comment: The FGA c.2499delT variant is predicted to result in a frameshift and premature protein termination (p.Pro834Leufs*25). This variant is also described as c.*1268delT (Post-Coding) in a more commonly reported transcript NM_021871.3. To our knowledge, this variant has not been reported in the literature or in a large population database (gnomAD), indicating this variant is rare. At this time, the clinical significance of this variant is uncertain due to the absence of conclusive functional and genetic evidence.

NM_000508.5(FGA):c.2499del (p.Pro834fs)

Gene: FGA (fibrinogen alpha chain; minus strand). Cytogenetic location: 4q31.3.
Variant type: Deletion.
Coding change: c.2499del on transcript NM_000508.5; coding-DNA position 2499, one base deleted (T; older notation c.2499delT).
Protein change: p.Pro834fs; shifts the reading frame from proline 834.
Molecular consequence: frameshift variant.
Genome position (GRCh38, 1-based): chr4:154,584,226, A deleted on the plus strand (T on the coding strand, the reverse complement: FGA is on the minus strand). VCF-style (leftmost placement, unchanged base first): chr4-154584225-GA-G. GRCh37 (hg19) VCF-style: chr4-155505377-GA-G.
Other names: short protein forms P834fs.
Identifiers: ClinVar variation 4999238 (VCV004999238.1).